The following is an entry in ClinVar:

ClinVar aggregate classification (germline): Uncertain significance. Review status: criteria provided, multiple submitters, no conflicts (2 of 4 stars). 2 submissions from 2 submitters: Uncertain significance (2). Last evaluated 2024-08-02.

Conditions:
Hereditary cancer-predisposing syndrome. Also called: Hereditary Cancer Syndrome; Neoplastic Syndromes, Hereditary; Hereditary neoplastic syndrome; Tumor predisposition. Identifiers: Orphanet 140162, MedGen C0027672, MeSH D009386, MONDO:0015356.

Allele frequency attached by ClinVar (database versions not stated): TOPMed below 0.00001.
gnomAD v4.1: 2 of 1,609,872 alleles (0.00012%); highest among the groups gnomAD compares: South Asian, 0.0022%; no homozygotes.

Submissions (2):

Ambry Genetics
Classification: Uncertain significance for Hereditary cancer-predisposing syndrome. Last evaluated: 2024-08-02. Review status: criteria provided, single submitter. Criteria: Ambry Variant Classification Scheme 2023. Collection method: clinical testing. Allele origin: germline.
Comment: The p.D1752Y variant (also known as c.5254G>T), located in coding exon 39 of the POLE gene, results from a G to T substitution at nucleotide position 5254. The aspartic acid at codon 1752 is replaced by tyrosine, an amino acid with highly dissimilar properties. This amino acid position is conserved. In addition, this alteration is predicted to be tolerated by in silico analysis. Based on the available evidence, the clinical significance of this variant remains unclear.

Labcorp Genetics (formerly Invitae), Labcorp
Classification: Uncertain significance. Last evaluated: 2023-04-11. Review status: criteria provided, single submitter. Criteria: Invitae Variant Classification Sherloc (09022015). Collection method: clinical testing. Allele origin: germline.
Comment: In summary, the available evidence is currently insufficient to determine the role of this variant in disease. Therefore, it has been classified as a Variant of Uncertain Significance. Advanced modeling of protein sequence and biophysical properties (such as structural, functional, and spatial information, amino acid conservation, physicochemical variation, residue mobility, and thermodynamic stability) performed at Invitae indicates that this missense variant is not expected to disrupt POLE protein function. This variant has not been reported in the literature in individuals affected with POLE-related conditions. This variant is present in population databases (no rsID available, gnomAD 0.003%). This sequence change replaces aspartic acid, which is acidic and polar, with tyrosine, which is neutral and polar, at codon 1752 of the POLE protein (p.Asp1752Tyr).

NM_006231.4(POLE):c.5254G>T (p.Asp1752Tyr)

Gene: POLE (DNA polymerase epsilon, catalytic subunit; minus strand). Cytogenetic location: 12q24.33.
Variant type: single nucleotide variant.
Coding change: c.5254G>T on transcript NM_006231.4 (MANE Select); coding-DNA position 5254, G replaced by T.
Protein change: p.Asp1752Tyr; replaces aspartic acid 1752 with tyrosine.
Molecular consequence: missense variant.
Genome position (GRCh38, 1-based): chr12:132,641,771, C>A on the plus strand (G>T on the coding strand, the complement: POLE is on the minus strand). VCF-style: chr12-132641771-C-A. GRCh37 (hg19) VCF-style: chr12-133218357-C-A.
Other names: c.5254G>T (NM_006231.2); short protein forms D1752Y.
Identifiers: ClinVar variation 2740953 (VCV002740953.4), dbSNP rs1335665224, ClinGen allele CA387376308.